The following is an entry in ClinVar:

ClinVar aggregate classification (germline): Uncertain significance (1 of 4 stars; one submission).

Allele frequency attached by ClinVar (database versions not stated): TOPMed below 0.00001; gnomAD 0.00001.
gnomAD v4.1: 2 of 1,586,658 alleles (0.00013%); highest among the groups gnomAD compares: African/African-American, 0.0027%; no homozygotes.

Submission:

Labcorp Genetics (formerly Invitae), Labcorp
Classification: Uncertain significance. Last evaluated: 2023-06-14. Review status: criteria provided, single submitter. Criteria: Invitae Variant Classification Sherloc (09022015). Collection method: clinical testing. Allele origin: germline.
Comment: In summary, the available evidence is currently insufficient to determine the role of this variant in disease. Therefore, it has been classified as a Variant of Uncertain Significance. An algorithm developed to predict the effect of missense changes on protein structure and function (PolyPhen-2) suggests that this variant is likely to be tolerated. ClinVar contains an entry for this variant (Variation ID: 1348098). This variant has not been reported in the literature in individuals affected with RIMS1-related conditions. This variant is present in population databases (no rsID available, gnomAD 0.01%). This sequence change replaces histidine, which is basic and polar, with proline, which is neutral and non-polar, at codon 1060 of the RIMS1 protein (p.His1060Pro).

NM_014989.7(RIMS1):c.3179A>C (p.His1060Pro)

Gene: RIMS1 (regulating synaptic membrane exocytosis 1; plus strand). Cytogenetic location: 6q13.
Variant type: single nucleotide variant.
Coding change: c.3179A>C on transcript NM_014989.7 (MANE Select); coding-DNA position 3179, A replaced by C.
Protein change: p.His1060Pro; replaces histidine 1060 with proline.
Molecular consequence: missense variant. On other transcripts: intron variant (58).
Genome position (GRCh38, 1-based): chr6:72,265,037, A>C. VCF-style: chr6-72265037-A-C. GRCh37 (hg19) VCF-style: chr6-72974740-A-C.
Other names: c.1598A>C, p.His533Pro (NM_001350418.2, NM_001350434.2, NM_001350436.2); c.1601A>C, p.His534Pro (NM_001350458.2); c.1556A>C, p.His519Pro (NM_001350470.2); c.1470-923A>C (NM_001350428.2, NM_001350459.2, NM_001350424.2 and 1 more transcripts); c.1467-923A>C (NM_001350437.2, NM_001350430.2, NM_001350421.2 and 1 more transcripts); c.1539-923A>C (NM_001350433.2, NM_001350446.2, NM_001350442.2 and 8 more transcripts); c.1538+4270A>C (NM_001350431.2); c.1476-923A>C (NM_001350457.2); and 13 more; short protein forms H534P, H1060P, H519P, H533P.
Identifiers: ClinVar variation 1348098 (VCV001348098.8), dbSNP rs777807498, ClinGen allele CA364685409.
Genomic context (GRCh38, chr6:72,265,037, plus strand): 5'-ATCTTGTTAGGCACTATAAAACATTACCTCCCAAGATGCCTTTATTACAGAGCAGTTCTC[A>C]CTGGAATATTTACAGGTAAGAGCCCTAACAGTGAGTCCCACCCAGTTATAAAGTAATTCC-3'
Protein context (NP_055804.2, residues 1050-1070): PKMPLLQSSS[His1060Pro]WNIYSSILPA